The following is an entry in ClinVar:

NM_144997.7(FLCN):c.1683C>T (p.Tyr561=)

Gene: FLCN (folliculin; minus strand). Cytogenetic location: 17p11.2.
Variant type: single nucleotide variant.
Coding change: c.1683C>T on transcript NM_144997.7 (MANE Select); coding-DNA position 1683, C replaced by T.
Protein change: p.Tyr561=; no amino-acid change (tyrosine 561 retained).
Molecular consequence: synonymous variant.
Genome position (GRCh38, 1-based): chr17:17,213,712, G>A on the plus strand (C>T on the coding strand, the complement: FLCN is on the minus strand). VCF-style: chr17-17213712-G-A. GRCh37 (hg19) VCF-style: chr17-17117026-G-A.
Other names: c.1737C>T, p.Tyr579= (NM_001353229.2); c.1683C>T, p.Tyr561= (NM_001353230.2, NM_001353231.2).
Identifiers: ClinVar variation 3773109 (VCV003773109.3).
Genomic context (GRCh38, chr17:17,213,712, plus strand): 5'-GGGTCAGTTCCGAGACTCCGAGGCTGTGGGGCTGCGGACCGTGGACATGAGGTGTGACTT[G>A]TAGGTCTTGCTCAGGCCAGTCATCCAGAACTTCAGCAGCTTGACATTGTCCTCCTCGGAC-3'
Protein context (NP_659434.2, residues 551-571): KFWMTGLSKT[Tyr561=]KSHLMSTVRS

ClinVar aggregate classification (germline): Benign/Likely benign. Review status: criteria provided, multiple submitters, no conflicts (2 of 4 stars). 3 submissions from 3 submitters: Benign (1); Likely benign (2). Last evaluated 2026-03-09.

Conditions:
Birt-Hogg-Dube syndrome. Also called: Birt Hogg Dubé syndrome. Identifiers: Orphanet 122, MedGen C0346010, MONDO:0800444.
Birt-Hogg-Dube syndrome 1 (BHD1). Also called: FIBROFOLLICULOMAS WITH TRICHODISCOMAS AND ACROCHORDONS. Identifiers: Orphanet 122, MedGen CN375946, MONDO:0800445, OMIM 135150.
Hereditary cancer-predisposing syndrome. Also called: Hereditary Cancer Syndrome; Neoplastic Syndromes, Hereditary; Tumor predisposition; Hereditary neoplastic syndrome. Identifiers: Orphanet 140162, MedGen C0027672, MeSH D009386, MONDO:0015356.

Submissions (3):

Ambry Genetics
Classification: Likely benign for Hereditary cancer-predisposing syndrome. Last evaluated: 2026-03-09. Review status: criteria provided, single submitter. Criteria: Ambry Variant Classification Scheme 2023. Collection method: clinical testing. Allele origin: germline.

Labcorp Genetics (formerly Invitae), Labcorp
Classification: Likely benign for Birt-Hogg-Dube syndrome. Last evaluated: 2025-12-16. Review status: criteria provided, single submitter. Criteria: Invitae Variant Classification Sherloc (09022015). Collection method: clinical testing. Allele origin: germline.

Myriad Genetics, Inc.
Classification: Benign for Birt-Hogg-Dube syndrome 1. Last evaluated: 2024-10-28. Review status: criteria provided, single submitter. Criteria: Myriad Autosomal Dominant, Autosomal Recessive and X-Linked Classification Criteria (2023). Collection method: clinical testing. Allele origin: unknown.
Comment: This variant is considered benign. This variant is a silent/synonymous amino acid change and it is not expected to impact splicing.